The following is an entry in ClinVar:

ClinVar aggregate classification (germline): Uncertain significance (1 of 4 stars; one submission).

Conditions:
Severe myoclonic epilepsy in infancy (DRVT). Also called: Epileptic encephalopathy, early infantile, 6 (Dravet syndrome); Dravet syndrome; SEVERE MYOCLONIC EPILEPSY OF INFANCY; DEVELOPMENTAL AND EPILEPTIC ENCEPHALOPATHY 6A; Severe Myoclonic Epilepsy in Infancy (SMEI). Identifiers: Orphanet 33069, MedGen C0751122, MONDO:0100135, OMIM 607208.

Submission:

3billion
Classification: Uncertain significance for Severe myoclonic epilepsy in infancy. Last evaluated: 2024-12-26. Review status: criteria provided, single submitter. Criteria: ACMG Guidelines, 2015. Collection method: clinical testing. Allele origin: germline. Affected: yes.
Comment: The variant is not observed in the gnomAD v4.1.0 dataset. Predicted Consequence/Location: Missense variant In silico tool predictions suggest damaging effect of the variant on gene or gene product [REVEL: 0.98 (>=0.6, sensitivity 0.68 and specificity 0.92); 3Cnet: 1.00 (>=0.6, sensitivity 0.72 and precision 0.9)]. Different missense changes at the same codon (p.Leu1677Arg, p.Leu1677Phe, p.Leu1677Pro, p.Leu1677Val) have been reported to be associated with SCN1A-related disorder (ClinVar ID: VCV001475981 /PMID: 18930999, 34338318, 35074891, 36127562). However the evidence of pathogenicity is insufficient at this time. Therefore, this variant is classified as VUS according to the recommendation of ACMG/AMP guideline.

Literature cited by the submitters: PubMed 18930999.

NM_001165963.4(SCN1A):c.5030T>A (p.Leu1677His)

Genes: SCN1A (sodium voltage-gated channel alpha subunit 1; minus strand), LOC102724058 (uncharacterized LOC102724058; plus strand). Cytogenetic location: 2q24.3.
Variant type: single nucleotide variant.
Coding change: c.5030T>A on transcript NM_001165963.4 (MANE Select); coding-DNA position 5030, T replaced by A.
Protein change: p.Leu1677His; replaces leucine 1677 with histidine.
Molecular consequence: missense variant. On other transcripts: non-coding transcript variant (1).
Genome position (GRCh38, 1-based): chr2:165,992,245, A>T on the plus strand (T>A on the coding strand, the complement: SCN1A is on the minus strand). VCF-style: chr2-165992245-A-T. GRCh37 (hg19) VCF-style: chr2-166848755-A-T.
Other names: c.4946T>A, p.Leu1649His (NM_001165964.3, NM_001353957.2, NM_001353958.2); c.5030T>A, p.Leu1677His (NM_001202435.3, NM_001353948.2); c.4997T>A, p.Leu1666His (NM_001353949.2, NM_001353950.2, NM_001353951.2 and 2 more transcripts); c.4994T>A, p.Leu1665His (NM_001353954.2, NM_001353955.2); c.4943T>A, p.Leu1648His (NM_001353960.2); c.2588T>A, p.Leu863His (NM_001353961.2); short protein forms L1648H, L1649H, L1665H, L1666H, L1677H, L863H.
Identifiers: ClinVar variation 4292840 (VCV004292840.1).